The following is an entry in ClinVar:

ClinVar aggregate classification (germline): Uncertain significance (1 of 4 stars; one submission).

Submission:

Labcorp Genetics (formerly Invitae), Labcorp
Classification: Uncertain significance. Last evaluated: 2024-01-04. Review status: criteria provided, single submitter. Criteria: Invitae Variant Classification Sherloc (09022015). Collection method: clinical testing. Allele origin: unknown.
Comment: A copy number gain of the genomic region encompassing the full coding sequence of the FGFR3 gene has been identified. The boundaries of this event are unknown as they extend beyond the assayed region for this gene and therefore may encompass additional genes. As the precise location of this event is unknown, it may be in tandem or it may be located elsewhere in the genome. This variant has not been reported in the literature in individuals affected with FGFR3-related conditions. In summary, the available evidence is currently insufficient to determine the role of this variant in disease. Therefore, it has been classified as a Variant of Uncertain Significance.

NC_000004.11:g.(?_1795662)_(3495228_?)dup

Genes: NOP14 (NOP14 nucleolar protein; minus strand), ZFYVE28 (zinc finger FYVE-type containing 28; minus strand), ADD1 (adducin 1; plus strand), DOK7 (docking protein 7; plus strand), FAM193A (family with sequence similarity 193 member A; plus strand) and 18 more. Cytogenetic location: 4p16.3.
Variant type: Duplication.
Identifiers: ClinVar variation 3246703 (VCV003246703.1).